The following is an entry in ClinVar:

ClinVar aggregate classification (germline): Uncertain significance (1 of 4 stars; one submission).

Conditions:
Inborn genetic diseases. Identifiers: MedGen C0950123, MeSH D030342.

Allele frequency attached by ClinVar (database versions not stated): gnomAD exomes below 0.00001.
gnomAD v4.1: 2 of 1,609,134 alleles (0.00012%); highest among the groups gnomAD compares: Non-Finnish European, 0.00017%; no homozygotes.

Submission:

Ambry Genetics
Classification: Uncertain significance for Inborn genetic diseases. Last evaluated: 2022-09-28. Review status: criteria provided, single submitter. Criteria: Ambry Variant Classification Scheme 2023. Collection method: clinical testing. Allele origin: germline.
Comment: The p.T1620P variant (also known as c.4858A>C), located in coding exon 28 of the ATR gene, results from an A to C substitution at nucleotide position 4858. The threonine at codon 1620 is replaced by proline, an amino acid with highly similar properties. This amino acid position is conserved. In addition, this alteration is predicted to be tolerated by in silico analysis. Since supporting evidence is limited at this time, the clinical significance of this alteration remains unclear.

NM_001184.4(ATR):c.4858A>C (p.Thr1620Pro)

Gene: ATR (ATR checkpoint kinase; minus strand). Cytogenetic location: 3q23.
Variant type: single nucleotide variant.
Coding change: c.4858A>C on transcript NM_001184.4 (MANE Select); coding-DNA position 4858, A replaced by C.
Protein change: p.Thr1620Pro; replaces threonine 1620 with proline.
Molecular consequence: missense variant.
Genome position (GRCh38, 1-based): chr3:142,508,104, T>G on the plus strand (A>C on the coding strand, the complement: ATR is on the minus strand). VCF-style: chr3-142508104-T-G. GRCh37 (hg19) VCF-style: chr3-142226946-T-G.
Other names: c.4666A>C, p.Thr1556Pro (NM_001354579.2); short protein forms T1620P, T1556P.
Identifiers: ClinVar variation 1743604 (VCV001743604.2), dbSNP rs1388237726, ClinGen allele CA354821052.